The following is an entry in ClinVar:

ClinVar aggregate classification (germline): Uncertain significance. Review status: criteria provided, multiple submitters, no conflicts (2 of 4 stars). 2 submissions from 2 submitters: Uncertain significance (2). Last evaluated 2022-08-09.

Conditions:
Inborn genetic diseases. Identifiers: MedGen C0950123, MeSH D030342.
Neuropathy, hereditary sensory and autonomic, type 2A (HSAN2A). Also called: HSAN IIA; WNK1-Related HSAN2 (HSAN2A); NEUROPATHY, CONGENITAL SENSORY; NEUROPATHY, HEREDITARY SENSORY RADICULAR, AUTOSOMAL RECESSIVE; NEUROPATHY, HEREDITARY SENSORY, TYPE IIA; NEUROPATHY, PROGRESSIVE SENSORY, OF CHILDREN. Identifiers: Orphanet 970, MedGen C2752089, MONDO:0024309, OMIM 201300.
Generalized epilepsy with febrile seizures plus, type 7 (GEFSP7). Also called: GEFS+, TYPE 7. Identifiers: Orphanet 36387, MedGen C2751778, MONDO:0013470, OMIM 613863.

Submissions (2):

Labcorp Genetics (formerly Invitae), Labcorp
Classification: Uncertain significance for Neuropathy, hereditary sensory and autonomic, type 2A; Generalized epilepsy with febrile seizures plus, type 7. Last evaluated: 2022-08-09. Review status: criteria provided, single submitter. Criteria: Invitae Variant Classification Sherloc (09022015). Collection method: clinical testing. Allele origin: germline.
Comment: This variant is not present in population databases (gnomAD no frequency). This sequence change replaces arginine, which is basic and polar, with serine, which is neutral and polar, at codon 1887 of the SCN9A protein (p.Arg1887Ser). This variant has not been reported in the literature in individuals affected with SCN9A-related conditions. ClinVar contains an entry for this variant (Variation ID: 1516608). Algorithms developed to predict the effect of missense changes on protein structure and function (SIFT, PolyPhen-2, Align-GVGD) all suggest that this variant is likely to be tolerated. In summary, the available evidence is currently insufficient to determine the role of this variant in disease. Therefore, it has been classified as a Variant of Uncertain Significance.

Ambry Genetics
Classification: Uncertain significance for Inborn genetic diseases. Last evaluated: 2021-05-08. Review status: criteria provided, single submitter. Criteria: Ambry Variant Classification Scheme 2023. Collection method: clinical testing. Allele origin: germline.
Comment: The p.R1887S variant (also known as c.5659C>A), located in coding exon 26 of the SCN9A gene, results from a C to A substitution at nucleotide position 5659. The arginine at codon 1887 is replaced by serine, an amino acid with dissimilar properties. This amino acid position is well conserved in available vertebrate species; however, serine is the reference amino acid in other vertebrate species. In addition, this alteration is predicted to be deleterious by in silico analysis. Since supporting evidence is limited at this time, the clinical significance of this alteration remains unclear.

NM_001365536.1(SCN9A):c.5692C>A (p.Arg1898Ser)

Genes: SCN1A-AS1 (SCN1A and SCN9A antisense RNA 1; plus strand), SCN9A (sodium voltage-gated channel alpha subunit 9; minus strand). Cytogenetic location: 2q24.3.
Variant type: single nucleotide variant.
Coding change: c.5692C>A on transcript NM_001365536.1 (MANE Select); coding-DNA position 5692, C replaced by A.
Protein change: p.Arg1898Ser; replaces arginine 1898 with serine.
Molecular consequence: missense variant.
Genome position (GRCh38, 1-based): chr2:166,198,947, G>T on the plus strand (C>A on the coding strand, the complement: SCN9A is on the minus strand). VCF-style: chr2-166198947-G-T. GRCh37 (hg19) VCF-style: chr2-167055457-G-T.
Other names: c.5659C>A, p.Arg1887Ser (NM_002977.4); short protein forms R1887S, R1898S.
Identifiers: ClinVar variation 1516608 (VCV001516608.10), dbSNP rs577823520, ClinGen allele CA349051708.